The following is an entry in ClinVar:

NM_004996.4(ABCC1):c.4296C>T (p.Val1432=)

Gene: ABCC1 (ATP binding cassette subfamily C member 1 (ABCC1 blood group); plus strand). Cytogenetic location: 16p13.11.
Variant type: single nucleotide variant.
Coding change: c.4296C>T on transcript NM_004996.4 (MANE Select); coding-DNA position 4296, C replaced by T.
Protein change: p.Val1432=; no amino-acid change (valine 1432 retained).
Molecular consequence: synonymous variant.
Genome position (GRCh38, 1-based): chr16:16,138,367, C>T. VCF-style: chr16-16138367-C-T. GRCh37 (hg19) VCF-style: chr16-16232224-C-T.
Other names: c.4119C>T, p.Val1373= (NM_019862.3).
Identifiers: ClinVar variation 2646260 (VCV002646260.24), dbSNP rs753509205, ClinGen allele CA7925043.

ClinVar aggregate classification (germline): Likely benign (1 of 4 stars; one submission).

Allele frequency attached by ClinVar (database versions not stated): ExAC 0.00003; gnomAD 0.00005; gnomAD exomes 0.00006.
gnomAD v4.1: 97 of 1,580,104 alleles (0.0061%); highest among the groups gnomAD compares: Middle Eastern, 0.05%; no homozygotes.

Submission:

CeGaT Center for Human Genetics Tuebingen
Classification: Likely benign. Last evaluated: 2022-12-01. Review status: criteria provided, single submitter. Criteria: CeGaT Center For Human Genetics Tuebingen Variant Classification Criteria Version 2. Collection method: clinical testing. Allele origin: germline. Affected: yes. Observed: 1 variant allele.
Comment: ABCC1: BP4, BP7